The following is an entry in ClinVar:

NM_000116.5(TAFAZZIN):c.647G>A (p.Gly216Glu)

Gene: TAFAZZIN (tafazzin, phospholipid-lysophospholipid transacylase; plus strand). Cytogenetic location: Xq28.
Variant type: single nucleotide variant.
Coding change: c.647G>A on transcript NM_000116.5 (MANE Select); coding-DNA position 647, G replaced by A.
Protein change: p.Gly216Glu; replaces glycine 216 with glutamic acid.
Molecular consequence: missense variant. On other transcripts: non-coding transcript variant (1).
Genome position (GRCh38, 1-based): chrX:154,420,212, G>A. VCF-style: chrX-154420212-G-A. GRCh37 (hg19) VCF-style: chrX-153648551-G-A.
Other names: c.659G>A, p.Gly220Glu (NM_001303465.2); c.557G>A, p.Gly186Glu (NM_181311.4); c.605G>A, p.Gly202Glu (NM_181312.4); c.515G>A, p.Gly172Glu (NM_181313.4); short protein forms G220E, G216E, G172E, G186E, G202E.
Identifiers: ClinVar variation 655314 (VCV000655314.4), dbSNP rs727504431, ClinGen allele CA415185059.
Genomic context (GRCh38, chrX:154,420,212, plus strand): 5'-CTCTGGTCCCAGGCTGCCCTGCTCCACCCCACGTCTGGCCTTCTGTCCACTGTGCTGCAG[G>A]AATGAATGACGTCCTTCCTAACAGTCCGCCCTACTTCCCCCGCTTTGGACAGGTGGGTGG-3'
Protein context (NP_000107.1, residues 206-226): NPIILPLWHV[Gly216Glu]MNDVLPNSPP

ClinVar aggregate classification (germline): Uncertain significance (1 of 4 stars; one submission).

Conditions:
3-Methylglutaconic aciduria type 2 (BTHS). Also called: Barth syndrome; CARDIOSKELETAL MYOPATHY WITH NEUTROPENIA AND ABNORMAL MITOCHONDRIA. Identifiers: Orphanet 111, MedGen C0574083, MONDO:0010543, OMIM 302060.

Submission:

Labcorp Genetics (formerly Invitae), Labcorp
Classification: Uncertain significance for 3-Methylglutaconic aciduria type 2. Last evaluated: 2024-10-16. Review status: criteria provided, single submitter. Criteria: Invitae Variant Classification Sherloc (09022015). Collection method: clinical testing. Allele origin: germline.
Comment: This sequence change replaces glycine, which is neutral and non-polar, with glutamic acid, which is acidic and polar, at codon 216 of the TAZ protein (p.Gly216Glu). This variant is not present in population databases (gnomAD no frequency). This variant has not been reported in the literature in individuals affected with TAZ-related conditions. ClinVar contains an entry for this variant (Variation ID: 655314). An algorithm developed to predict the effect of missense changes on protein structure and function (PolyPhen-2) suggests that this variant is likely to be disruptive. Algorithms developed to predict the effect of sequence changes on RNA splicing suggest that this variant may disrupt the consensus splice site. This variant disrupts the p.Gly216 amino acid residue in TAZ. Other variant(s) that disrupt this residue have been determined to be pathogenic (PMID: 9382096, 21932011, 23361305, 23656970, 24887148). This suggests that this residue is clinically significant, and that variants that disrupt this residue are likely to be disease-causing. In summary, the available evidence is currently insufficient to determine the role of this variant in disease. Therefore, it has been classified as a Variant of Uncertain Significance.

Literature cited by the submitters: PubMed 9382096; PubMed 21932011; PubMed 23361305; PubMed 23656970; PubMed 24887148.